The following is an entry in ClinVar:

NM_052845.4(MMAB):c.*2701G>C

Gene: MMAB (metabolism of cobalamin associated B; minus strand). Cytogenetic location: 12q24.11.
Variant type: single nucleotide variant.
Coding change: c.*2701G>C on transcript NM_052845.4 (MANE Select); 2701 bases downstream of the stop codon, G replaced by C.
Molecular consequence: 3 prime UTR variant. On other transcripts: non-coding transcript variant (1).
Genome position (GRCh38, 1-based): chr12:109,554,327, C>G on the plus strand (G>C on the coding strand, the complement: MMAB is on the minus strand). VCF-style: chr12-109554327-C-G. GRCh37 (hg19) VCF-style: chr12-109992132-C-G.
Other names: NC_000012.11:g.109992132C>G.
Identifiers: ClinVar variation 307009 (VCV000307009.7), dbSNP rs2241201, ClinGen allele CA6778529.

ClinVar aggregate classification (germline): Benign. Review status: criteria provided, multiple submitters, no conflicts (2 of 4 stars). 2 submissions from 2 submitters: Benign (2). Last evaluated 2018-01-12.

Conditions:
Methylmalonic aciduria, cblB type (MACB). Also called: METHYLMALONIC ACIDURIA, VITAMIN B12-RESPONSIVE, DUE TO DEFECT IN SYNTHESIS OF ADENOSYLCOBALAMIN, cblB TYPE; Methylmalonic acidemia cblB type; Vitamin B12-responsive methylmalonic acidemia type cblB. Identifiers: Orphanet 28, Orphanet 79311, MedGen C1855102, MONDO:0009614, OMIM 251110.

Allele frequency attached by ClinVar (database versions not stated): ExAC 0.21981; gnomAD exomes 0.25850 and 0.26524; 1000 Genomes Project 0.31629; 1000 Genomes Project 30x 0.32480; gnomAD 0.32502 and 0.33323; TOPMed 0.34641.
gnomAD v4.1: 127,560 of 453,820 alleles (28%); highest among the groups gnomAD compares: African/African-American, 50%; 19,874 homozygotes.

Submissions (5):

Illumina Laboratory Services, Illumina
Classification: Benign for Methylmalonic aciduria, cblB type. Last evaluated: 2018-01-12. Review status: criteria provided, single submitter. Criteria: ICSL Variant Classification Criteria 13 December 2019. Collection method: clinical testing. Allele origin: germline.
Comment: This variant was observed in the ICSL laboratory as part of a predisposition screen in an ostensibly healthy population. It had not been previously curated by ICSL or reported in the Human Gene Mutation Database (HGMD: prior to June 1st, 2018), and was therefore a candidate for classification through an automated scoring system. Utilizing variant allele frequency, disease prevalence and penetrance estimates, and inheritance mode, an automated score was calculated to assess if this variant is too frequent to cause the disease. Based on the score and internal cut-off values, a variant classified as benign is not then subjected to further curation. The score for this variant resulted in a classification of benign for this disease.

Breakthrough Genomics
Classification: Benign. Review status: criteria provided, single submitter. Criteria: ACMG Guidelines, 2015. Collection method: not provided. Allele origin: germline. Inheritance: Autosomal recessive inheritance. Affected: yes.

Dr. Peter K. Rogan Lab, Western University
No classification provided (evidence only). Condition: Lung cancer. Review status: no classification provided. Collection method: in vitro. Allele origin: not applicable. Functional consequence: retained intron. Not counted in ClinVar's aggregate classification.

Dr. Peter K. Rogan Lab, Western University
No classification provided (evidence only). Condition: Sarcoma. Review status: no classification provided. Collection method: in vitro. Allele origin: not applicable. Functional consequence: retained intron. Not counted in ClinVar's aggregate classification.

Dr. Peter K. Rogan Lab, Western University
No classification provided (evidence only). Condition: Gastric cancer. Review status: no classification provided. Collection method: in vitro. Allele origin: not applicable. Functional consequence: retained intron. Not counted in ClinVar's aggregate classification.